The following is an entry in ClinVar:

NM_000516.7(GNAS):c.719-1G>A

Gene: GNAS (GNAS complex locus; plus strand). Cytogenetic location: 20q13.32.
Variant type: single nucleotide variant.
Coding change: c.719-1G>A on transcript NM_000516.7 (MANE Select); the canonical splice acceptor site of the intron before coding-DNA position 719, G replaced by A.
Molecular consequence: splice acceptor variant.
Genome position (GRCh38, 1-based): chr20:58,909,683, G>A. VCF-style: chr20-58909683-G-A. GRCh37 (hg19) VCF-style: chr20-57484738-G-A.
Other names: c.*625-1G>A (NM_016592.5); c.623-1G>A (NM_001410912.1); c.542-1G>A (NM_001309861.2, NM_001309840.2); c.*580-1G>A (NM_001077490.3); c.2648-1G>A (NM_080425.4); c.2603-1G>A (NM_001410913.1); c.722-1G>A (NM_001077488.5); c.677-1G>A (NM_080426.4); and 1 more.
Identifiers: ClinVar variation 2102170 (VCV002102170.4), dbSNP rs2517258594, ClinGen allele CA409452400.

ClinVar aggregate classification (germline): Pathogenic (1 of 4 stars; one submission).

Submission:

Labcorp Genetics (formerly Invitae), Labcorp
Classification: Pathogenic. Last evaluated: 2022-02-22. Review status: criteria provided, single submitter. Criteria: Invitae Variant Classification Sherloc (09022015). Collection method: clinical testing. Allele origin: germline.
Comment: For these reasons, this variant has been classified as Pathogenic. Algorithms developed to predict the effect of sequence changes on RNA splicing suggest that this variant may disrupt the consensus splice site. Disruption of this splice site has been observed in individuals with pseudohypoparathyroidism type 1a (PMID: 11788646, 25802881). This variant is not present in population databases (gnomAD no frequency). This sequence change affects an acceptor splice site in intron 9 of the GNAS gene. It is expected to disrupt RNA splicing. Variants that disrupt the donor or acceptor splice site typically lead to a loss of protein function (PMID: 16199547), and loss-of-function variants in GNAS are known to be pathogenic (PMID: 11784876, 23281139, 23796510, 25802881).

Literature cited by the submitters: PubMed 11788646; PubMed 25802881; PubMed 16199547; PubMed 11784876; PubMed 23281139; PubMed 23796510.